The following is an entry in ClinVar:

NM_018699.4(PRDM5):c.1443+16C>G

Gene: PRDM5 (PR/SET domain 5; minus strand). Cytogenetic location: 4q27.
Variant type: single nucleotide variant.
Coding change: c.1443+16C>G on transcript NM_018699.4 (MANE Select); 16 bases into the intron after coding-DNA position 1443, C replaced by G.
Molecular consequence: intron variant.
Genome position (GRCh38, 1-based): chr4:120,781,127, G>C on the plus strand (C>G on the coding strand, the complement: PRDM5 is on the minus strand). VCF-style: chr4-120781127-G-C. GRCh37 (hg19) VCF-style: chr4-121702282-G-C.
Other names: c.1350+16C>G (NM_001300824.2, NM_001379106.1, NM_001300823.2); c.1476+16C>G (NM_001379104.1).
Identifiers: ClinVar variation 3609439 (VCV003609439.3).

ClinVar aggregate classification (germline): Likely benign. Review status: criteria provided, multiple submitters, no conflicts (2 of 4 stars). 2 submissions from 2 submitters: Likely benign (2). Last evaluated 2025-02-17.

Submissions (2):

Women's Health and Genetics/Laboratory Corporation of America, LabCorp
Classification: Likely benign. Last evaluated: 2025-02-17. Review status: criteria provided, single submitter. Criteria: LabCorp Variant Classification Summary - May 2015. Collection method: clinical testing. Allele origin: germline.
Comment: Variant summary: PRDM5 c.1443+16C>G alters a nucleotide located at a position not widely known to affect splicing. Consensus agreement among computation tools predict no significant impact on normal splicing. However, these predictions have yet to be confirmed by functional studies. The variant was absent in 250646 control chromosomes (gnomAD). The available data on variant occurrences in the general population are insufficient to allow any conclusion about variant significance. To our knowledge, no occurrence of c.1443+16C>G in individuals affected with Brittle cornea syndrome 2 and no experimental evidence demonstrating its impact on protein function have been reported. No submitters have cited clinical-significance assessments for this variant to ClinVar. Based on the evidence outlined above, the variant was classified as likely benign.

Labcorp Genetics (formerly Invitae), Labcorp
Classification: Likely benign. Last evaluated: 2024-02-29. Review status: criteria provided, single submitter. Criteria: Invitae Variant Classification Sherloc (09022015). Collection method: clinical testing. Allele origin: germline.